The following is an entry in ClinVar:

ClinVar aggregate classification (germline): Uncertain significance (1 of 4 stars; one submission).

Allele frequency attached by ClinVar (database versions not stated): gnomAD 0.00001; TOPMed 0.00001; gnomAD exomes 0.00003.
gnomAD v4.1: 45 of 1,551,952 alleles (0.0029%); highest among the groups gnomAD compares: Non-Finnish European, 0.0039%; no homozygotes.

Submission:

Labcorp Genetics (formerly Invitae), Labcorp
Classification: Uncertain significance. Last evaluated: 2023-04-14. Review status: criteria provided, single submitter. Criteria: Invitae Variant Classification Sherloc (09022015). Collection method: clinical testing. Allele origin: germline.
Comment: An algorithm developed to predict the effect of missense changes on protein structure and function (PolyPhen-2) suggests that this variant is likely to be disruptive. This variant is present in population databases (no rsID available, gnomAD 0.003%). This variant has not been reported in the literature in individuals affected with CLCN7-related conditions. ClinVar contains an entry for this variant (Variation ID: 1912787). In summary, the available evidence is currently insufficient to determine the role of this variant in disease. Therefore, it has been classified as a Variant of Uncertain Significance. This sequence change replaces leucine, which is neutral and non-polar, with phenylalanine, which is neutral and non-polar, at codon 737 of the CLCN7 protein (p.Leu737Phe).

NM_001287.6(CLCN7):c.2209C>T (p.Leu737Phe)

Gene: CLCN7 (chloride voltage-gated channel 7; minus strand). Cytogenetic location: 16p13.3.
Variant type: single nucleotide variant.
Coding change: c.2209C>T on transcript NM_001287.6 (MANE Select); coding-DNA position 2209, C replaced by T.
Protein change: p.Leu737Phe; replaces leucine 737 with phenylalanine.
Molecular consequence: missense variant.
Genome position (GRCh38, 1-based): chr16:1,447,433, G>A on the plus strand (C>T on the coding strand, the complement: CLCN7 is on the minus strand). VCF-style: chr16-1447433-G-A. GRCh37 (hg19) VCF-style: chr16-1497434-G-A.
Other names: c.2137C>T, p.Leu713Phe (NM_001114331.3); short protein forms L713F, L737F.
Identifiers: ClinVar variation 1912787 (VCV001912787.5), dbSNP rs918083846, ClinGen allele CA276668027.